The following is an entry in ClinVar:

NM_007294.4(BRCA1):c.3907_3908delinsGGA (p.Leu1303fs)

Genes: BRCA1 (BRCA1 DNA repair associated; minus strand), LOC126862571 (BRD4-independent group 4 enhancer GRCh37_chr17:41243136-41244335; plus strand). Cytogenetic location: 17q21.31.
Variant type: Indel.
Coding change: c.3907_3908delinsGGA on transcript NM_007294.4 (MANE Select); coding-DNA positions 3907 to 3908, TT replaced by GGA.
Protein change: p.Leu1303fs; shifts the reading frame from leucine 1303.
Molecular consequence: frameshift variant. On other transcripts: intron variant (135).
Genome position (GRCh38, 1-based): chr17:43,091,623-43,091,624, AA replaced by TCC on the plus strand (TT replaced by GGA on the coding strand, the reverse complement: BRCA1 is on the minus strand). VCF-style: chr17-43091623-AA-TCC. GRCh37 (hg19) VCF-style: chr17-41243640-AA-TCC.
Other names: 4026_4027delTTinsGGA; c.524-592_524-591delinsGGA (NM_001408501.1, NM_001408500.1, NM_001408497.1 and 3 more transcripts); c.647-592_647-591delinsGGA (NM_001408455.1, NM_001408466.1, NM_001408452.1 and 11 more transcripts); c.578-592_578-591delinsGGA (NM_001408513.1, NM_001408489.1, NM_001408479.1 and 9 more transcripts); c.521-592_521-591delinsGGA (NM_001408503.1, NM_001408505.1, NM_001408504.1); c.788-592_788-591delinsGGA (NM_001407973.1, NM_001408403.1, NM_001407983.1 and 17 more transcripts); c.404-592_404-591delinsGGA (NM_001408511.1); c.461-592_461-591delinsGGA (NM_001408507.1, NM_001408506.1); and 42 more; short protein forms L1303fs, L1256fs, L1191fs, L1233fs, L1276fs, L1300fs, L1135fs, L1175fs.
Identifiers: ClinVar variation 266415 (VCV000266415.7), dbSNP rs80357634, ClinGen allele CA10589716.

ClinVar aggregate classification (germline): Pathogenic. Review status: reviewed by expert panel (3 of 4 stars). 3 submissions from 3 submitters: Pathogenic (1). 2 of the submissions do not count toward it. Last evaluated 2016-10-18.

Conditions:
Breast-ovarian cancer, familial, susceptibility to, 1 (BROVCA1). Also called: BRCA1 Hereditary Breast and Ovarian Cancer; OVARIAN CANCER, SUSCEPTIBILITY TO. Identifiers: Orphanet 145, MedGen C2676676, MONDO:0011450, OMIM 604370. Disease mechanism: loss of function.

Submissions (3):

Evidence-based Network for the Interpretation of Germline Mutant Alleles (ENIGMA)
Classification: Pathogenic for Breast-ovarian cancer, familial, susceptibility to, 1. Last evaluated: 2016-10-18. Review status: reviewed by expert panel. Criteria: ENIGMA BRCA1/2 Classification Criteria (2015). Collection method: curation. Allele origin: germline.
Comment: Variant allele predicted to encode a truncated non-functional protein.

Department of Clinical Genetics, Copenhagen University Hospital, Rigshospitalet
Classification: Pathogenic for Breast-ovarian cancer, familial, susceptibility to, 1. Last evaluated: 2024-05-27. Review status: criteria provided, single submitter. Criteria: ACMG Guidelines, 2015. Collection method: clinical testing. Allele origin: germline. Affected: yes. Not counted in ClinVar's aggregate classification.
Comment: PVS1; PM2_supporting; PM5_PTC_Strong

Consortium of Investigators of Modifiers of BRCA1/2 (CIMBA), c/o University of Cambridge
Classification: Pathogenic for Breast-ovarian cancer, familial, susceptibility to, 1. Last evaluated: 2015-10-02. Review status: criteria provided, single submitter. Criteria: CIMBA Mutation Classification guidelines May 2016. Collection method: clinical testing. Allele origin: germline. Not counted in ClinVar's aggregate classification.